The following is an entry in ClinVar:

NM_032383.5(HPS3):c.1231G>A (p.Asp411Asn)

Gene: HPS3 (HPS3 biogenesis of lysosomal organelles complex 2 subunit 1; plus strand). Cytogenetic location: 3q24.
Variant type: single nucleotide variant.
Coding change: c.1231G>A on transcript NM_032383.5 (MANE Select); coding-DNA position 1231, G replaced by A.
Protein change: p.Asp411Asn; replaces aspartic acid 411 with asparagine.
Molecular consequence: missense variant.
Genome position (GRCh38, 1-based): chr3:149,150,666, G>A. VCF-style: chr3-149150666-G-A. GRCh37 (hg19) VCF-style: chr3-148868453-G-A.
Other names: c.736G>A, p.Asp246Asn (NM_001308258.2); short protein forms D246N, D411N.
Identifiers: ClinVar variation 1930311 (VCV001930311.5), dbSNP rs2473093104, ClinGen allele CA354917310.

ClinVar aggregate classification (germline): Uncertain significance (1 of 4 stars; one submission).

Submission:

Labcorp Genetics (formerly Invitae), Labcorp
Classification: Uncertain significance. Last evaluated: 2022-06-14. Review status: criteria provided, single submitter. Criteria: Invitae Variant Classification Sherloc (09022015). Collection method: clinical testing. Allele origin: germline.
Comment: This variant is not present in population databases (gnomAD no frequency). This sequence change replaces aspartic acid, which is acidic and polar, with asparagine, which is neutral and polar, at codon 411 of the HPS3 protein (p.Asp411Asn). This variant has not been reported in the literature in individuals affected with HPS3-related conditions. In summary, the available evidence is currently insufficient to determine the role of this variant in disease. Therefore, it has been classified as a Variant of Uncertain Significance. Algorithms developed to predict the effect of missense changes on protein structure and function are either unavailable or do not agree on the potential impact of this missense change (SIFT: "Tolerated"; PolyPhen-2: "Probably Damaging"; Align-GVGD: "Class C0").